The following is an entry in ClinVar:

ClinVar aggregate classification (germline): Likely benign. Review status: criteria provided, multiple submitters, no conflicts (2 of 4 stars). 5 submissions from 5 submitters: Likely benign (4). 1 of the submissions does not count toward it. Last evaluated 2025-12-25.

Conditions:
Hereditary cancer-predisposing syndrome. Also called: Hereditary Cancer Syndrome; Neoplastic Syndromes, Hereditary; Hereditary neoplastic syndrome; Tumor predisposition. Identifiers: Orphanet 140162, MedGen C0027672, MeSH D009386, MONDO:0015356.
Cardiovascular phenotype. Identifiers: MedGen CN230736.
LZTR1-related disorder. Also called: LZTR1-related disorders; LZTR1-related condition.

Allele frequency attached by ClinVar (database versions not stated): ExAC 0.00001; gnomAD 0.00001; TOPMed 0.00001.
gnomAD v4.1: 15 of 1,611,552 alleles (0.00093%); highest among the groups gnomAD compares: African/African-American, 0.0013%; no homozygotes.

Submissions (5):

Labcorp Genetics (formerly Invitae), Labcorp
Classification: Likely benign. Last evaluated: 2025-12-25. Review status: criteria provided, single submitter. Criteria: Invitae Variant Classification Sherloc (09022015). Collection method: clinical testing. Allele origin: germline.

Mayo Clinic Laboratories, Mayo Clinic
Classification: Likely benign. Last evaluated: 2025-08-20. Review status: criteria provided, single submitter. Criteria: ACMG Guidelines, 2015. Collection method: clinical testing. Allele origin: germline. Observed: 1 variant allele.
Comment: BP4, BP7

CeGaT Center for Human Genetics Tuebingen
Classification: Likely benign. Last evaluated: 2025-03-01. Review status: criteria provided, single submitter. Criteria: CeGaT Center For Human Genetics Tuebingen Variant Classification Criteria Version 2. Collection method: clinical testing. Allele origin: germline. Affected: yes. Observed: 1 variant allele.
Comment: LZTR1: BP4, BP7

Ambry Genetics
Classification: Likely benign for Cardiovascular phenotype; Hereditary cancer-predisposing syndrome. Last evaluated: 2021-11-12. Review status: criteria provided, single submitter. Criteria: Ambry Variant Classification Scheme 2023. Collection method: clinical testing. Allele origin: germline.

PreventionGenetics, part of Exact Sciences
Classification: Likely benign for LZTR1-related condition. Last evaluated: 2023-01-11. Review status: no assertion criteria provided. Collection method: clinical testing. Allele origin: germline. Not counted in ClinVar's aggregate classification.
Comment: This variant is classified as likely benign based on ACMG/AMP sequence variant interpretation guidelines (Richards et al. 2015 PMID: 25741868, with internal and published modifications).

NM_006767.4(LZTR1):c.2217G>A (p.Ser739=)

Gene: LZTR1 (leucine zipper like post translational regulator 1; plus strand). Cytogenetic location: 22q11.21.
Variant type: single nucleotide variant.
Coding change: c.2217G>A on transcript NM_006767.4 (MANE Select); coding-DNA position 2217, G replaced by A.
Protein change: p.Ser739=; no amino-acid change (serine 739 retained).
Molecular consequence: synonymous variant.
Genome position (GRCh38, 1-based): chr22:20,996,110, G>A. VCF-style: chr22-20996110-G-A. GRCh37 (hg19) VCF-style: chr22-21350399-G-A.
Other names: p.Ser739=.
Identifiers: ClinVar variation 1659761 (VCV001659761.20), dbSNP rs768672857, ClinGen allele CA10119277.